The following is an entry in ClinVar:

NM_001606.5(ABCA2):c.6482A>G (p.Lys2161Arg)

Gene: ABCA2 (ATP binding cassette subfamily A member 2; minus strand). Cytogenetic location: 9q34.3.
Variant type: single nucleotide variant.
Coding change: c.6482A>G on transcript NM_001606.5 (MANE Select); coding-DNA position 6482, A replaced by G.
Protein change: p.Lys2161Arg; replaces lysine 2161 with arginine.
Molecular consequence: missense variant.
Genome position (GRCh38, 1-based): chr9:137,009,996, T>C on the plus strand (A>G on the coding strand, the complement: ABCA2 is on the minus strand). VCF-style: chr9-137009996-T-C. GRCh37 (hg19) VCF-style: chr9-139904448-T-C.
Other names: c.6479A>G, p.Lys2160Arg (NM_001411042.1); c.6572A>G, p.Lys2191Arg (NM_212533.3); short protein forms K2161R, K2191R, K2160R.
Identifiers: ClinVar variation 4829575 (VCV004829575.1).

ClinVar aggregate classification (germline): Uncertain significance (1 of 4 stars; one submission).

gnomAD v4.1: 77 of 1,597,956 alleles (0.0048%); highest among the groups gnomAD compares: Non-Finnish European, 0.0059%; no homozygotes.

Submission:

Ambry Genetics
Classification: Uncertain significance. Last evaluated: 2026-02-17. Review status: criteria provided, single submitter. Criteria: Ambry Variant Classification Scheme 2023. Collection method: clinical testing. Allele origin: germline.
Comment: The c.6572A>G (p.K2191R) alteration is located in exon 42 (coding exon 42) of the ABCA2 gene. This alteration results from a A to G substitution at nucleotide position 6572, causing the lysine (K) at amino acid position 2191 to be replaced by an arginine (R). Based on data from gnomAD, the G allele has an overall frequency of 0.002% (4/252948) total alleles studied. The highest observed frequency was 0.015% (1/6536) of Other alleles. Based on insufficient or conflicting evidence, the clinical significance of this alteration remains unclear.